The following is an entry in ClinVar:

ClinVar aggregate classification (germline): Uncertain significance. Review status: criteria provided, multiple submitters, no conflicts (2 of 4 stars). 2 submissions from 2 submitters: Uncertain significance (2). Last evaluated 2026-09-02.

Conditions:
Inborn genetic diseases. Identifiers: MedGen C0950123, MeSH D030342.

Submissions (2):

Ambry Genetics
Classification: Uncertain significance for Inborn genetic diseases. Last evaluated: 2026-09-02. Review status: criteria provided, single submitter. Criteria: Ambry Variant Classification Scheme 2023. Collection method: clinical testing. Allele origin: germline.

Labcorp Genetics (formerly Invitae), Labcorp
Classification: Uncertain significance. Last evaluated: 2024-03-18. Review status: criteria provided, single submitter. Criteria: Invitae Variant Classification Sherloc (09022015). Collection method: clinical testing. Allele origin: germline.
Comment: This sequence change replaces valine, which is neutral and non-polar, with phenylalanine, which is neutral and non-polar, at codon 566 of the USP9X protein (p.Val566Phe). This variant is not present in population databases (gnomAD no frequency). This variant has not been reported in the literature in individuals affected with USP9X-related conditions. An algorithm developed to predict the effect of missense changes on protein structure and function (PolyPhen-2) suggests that this variant is likely to be disruptive. In summary, the available evidence is currently insufficient to determine the role of this variant in disease. Therefore, it has been classified as a Variant of Uncertain Significance.

NM_001039591.3(USP9X):c.1696G>T (p.Val566Phe)

Gene: USP9X (ubiquitin specific peptidase 9 X-linked; plus strand). Cytogenetic location: Xp11.4.
Variant type: single nucleotide variant.
Coding change: c.1696G>T on transcript NM_001039591.3 (MANE Select); coding-DNA position 1696, G replaced by T.
Protein change: p.Val566Phe; replaces valine 566 with phenylalanine.
Molecular consequence: missense variant.
Genome position (GRCh38, 1-based): chrX:41,150,990, G>T. VCF-style: chrX-41150990-G-T. GRCh37 (hg19) VCF-style: chrX-41010243-G-T.
Other names: c.1696G>T, p.Val566Phe (NM_001039590.3, NM_001410748.1, NM_001410749.1); c.1696G>T (NM_001039590.2); short protein forms V566F.
Identifiers: ClinVar variation 3622211 (VCV003622211.3).